The following is an entry in ClinVar:

ClinVar aggregate classification (germline): Uncertain significance (1 of 4 stars; one submission).

Allele frequency attached by ClinVar (database versions not stated): gnomAD 0.00005; TOPMed 0.00006; gnomAD exomes 0.00007; ExAC 0.00008; ESP Exome Variant Server 0.00008.
gnomAD v4.1: 102 of 1,614,126 alleles (0.0063%); highest among the groups gnomAD compares: South Asian, 0.036%; no homozygotes.

Submission:

Labcorp Genetics (formerly Invitae), Labcorp
Classification: Uncertain significance. Last evaluated: 2025-09-13. Review status: criteria provided, single submitter. Criteria: Invitae Variant Classification Sherloc (09022015). Collection method: clinical testing. Allele origin: germline.
Comment: This sequence change replaces arginine, which is basic and polar, with histidine, which is basic and polar, at codon 3996 of the MACF1 protein (p.Arg3996His). This variant is present in population databases (rs148757960, gnomAD 0.03%), and has an allele count higher than expected for a pathogenic variant. This variant has not been reported in the literature in individuals affected with MACF1-related conditions. ClinVar contains an entry for this variant (Variation ID: 2427924). An algorithm developed to predict the effect of missense changes on protein structure and function (PolyPhen-2) suggests that this variant is likely to be disruptive. In summary, the available evidence is currently insufficient to determine the role of this variant in disease. Therefore, it has been classified as a Variant of Uncertain Significance.

NM_001394062.1(MACF1):c.18164G>A (p.Arg6055His)

Gene: MACF1 (microtubule actin crosslinking factor 1; plus strand). Cytogenetic location: 1p34.3.
Variant type: single nucleotide variant.
Coding change: c.18164G>A on transcript NM_001394062.1 (MANE Select); coding-DNA position 18164, G replaced by A.
Protein change: p.Arg6055His; replaces arginine 6055 with histidine.
Molecular consequence: missense variant.
Genome position (GRCh38, 1-based): chr1:39,437,952, G>A. VCF-style: chr1-39437952-G-A. GRCh37 (hg19) VCF-style: chr1-39903624-G-A.
Other names: c.6242G>A, p.Arg2081His (NM_001397473.1); c.11987G>A, p.Arg3996His (NM_012090.5); short protein forms R2081H, R3996H, R6055H.
Identifiers: ClinVar variation 2427924 (VCV002427924.6), dbSNP rs148757960, ClinGen allele CA783827.